The following is an entry in ClinVar:

NM_182914.3(SYNE2):c.8841A>C (p.Gln2947His)

Gene: SYNE2 (spectrin repeat containing nuclear envelope protein 2; plus strand). Cytogenetic location: 14q23.2.
Variant type: single nucleotide variant.
Coding change: c.8841A>C on transcript NM_182914.3 (MANE Select); coding-DNA position 8841, A replaced by C.
Protein change: p.Gln2947His; replaces glutamine 2947 with histidine.
Molecular consequence: missense variant.
Genome position (GRCh38, 1-based): chr14:64,052,754, A>C. VCF-style: chr14-64052754-A-C. GRCh37 (hg19) VCF-style: chr14-64519472-A-C.
Other names: c.8841A>C, p.Gln2947His (NM_015180.6); short protein forms Q2947H.
Identifiers: ClinVar variation 4700185 (VCV004700185.1).
Genomic context (GRCh38, chr14:64,052,754, plus strand): 5'-ACAAAGATTCATTCAGAATACATGTAATGAAGTGGAACACAAGATAAAGTTTTGCAGACA[A>C]TTCCATGAAAAAACATCAGCGCTTCAGGAGGAGGCTGACAGTATACAGCGCAATGAACTA-3'
Protein context (NP_878918.2, residues 2937-2957): EVEHKIKFCR[Gln2947His]FHEKTSALQE

ClinVar aggregate classification (germline): Uncertain significance (1 of 4 stars; one submission).

Conditions:
Emery-Dreifuss muscular dystrophy 5, autosomal dominant (EDMD5). Also called: EMERY-DREIFUSS MUSCULAR DYSTROPHY 5. Identifiers: Orphanet 261, MedGen C2751805, MONDO:0013072, OMIM 612999.

Submission:

Labcorp Genetics (formerly Invitae), Labcorp
Classification: Uncertain significance for Emery-Dreifuss muscular dystrophy 5, autosomal dominant. Last evaluated: 2025-09-17. Review status: criteria provided, single submitter. Criteria: Invitae Variant Classification Sherloc (09022015). Collection method: clinical testing. Allele origin: germline.
Comment: This sequence change replaces glutamine, which is neutral and polar, with histidine, which is basic and polar, at codon 2947 of the SYNE2 protein (p.Gln2947His). This variant is not present in population databases (gnomAD no frequency). This variant has not been reported in the literature in individuals affected with SYNE2-related conditions. An algorithm developed to predict the effect of missense changes on protein structure and function (PolyPhen-2) suggests that this variant is likely to be tolerated. In summary, the available evidence is currently insufficient to determine the role of this variant in disease. Therefore, it has been classified as a Variant of Uncertain Significance.